The following is an entry in ClinVar:

NM_002880.4(RAF1):c.862+4C>T

Gene: RAF1 (Raf-1 proto-oncogene, serine/threonine kinase; minus strand). Cytogenetic location: 3p25.2.
Variant type: single nucleotide variant.
Coding change: c.862+4C>T on transcript NM_002880.4 (MANE Select); 4 bases into the intron after coding-DNA position 862, C replaced by T.
Molecular consequence: intron variant.
Genome position (GRCh38, 1-based): chr3:12,600,384, G>A on the plus strand (C>T on the coding strand, the complement: RAF1 is on the minus strand). VCF-style: chr3-12600384-G-A. GRCh37 (hg19) VCF-style: chr3-12641883-G-A.
Other names: c.520+4C>T (NM_001354695.3); c.619+4C>T (NM_001354692.3, NM_001354691.3); c.679+4C>T (NM_001354694.3); c.763+4C>T (NM_001354693.3); c.922+4C>T (NM_001354689.3); c.862+4C>T (NM_001354690.3).
Identifiers: ClinVar variation 3717731 (VCV003717731.2).
Genomic context (GRCh38, chr3:12,600,384, plus strand): 5'-AGAAGATACACCGCATAAAGAAAAAAAGCCCATTATTGTTGGCTAAATGACTATGGAAAA[G>A]TACCTGATTCGCTGTGACTTCGAATTGCATCCTGAAACAGAAAAGGAAAGCTGGTCAACT-3'

ClinVar aggregate classification (germline): Uncertain significance (1 of 4 stars; one submission).

Conditions:
RASopathy. Also called: rasopathies; Noonan spectrum disorder. Identifiers: Orphanet 536391, MedGen C5555857, MONDO:0021060.

Submission:

Labcorp Genetics (formerly Invitae), Labcorp
Classification: Uncertain significance for RASopathy. Last evaluated: 2024-09-17. Review status: criteria provided, single submitter. Criteria: Invitae Variant Classification Sherloc (09022015). Collection method: clinical testing. Allele origin: germline.
Comment: This sequence change falls in intron 8 of the RAF1 gene. It does not directly change the encoded amino acid sequence of the RAF1 protein. It affects a nucleotide within the consensus splice site. This variant is not present in population databases (gnomAD no frequency). This variant has not been reported in the literature in individuals affected with RAF1-related conditions. Variants that disrupt the consensus splice site are a relatively common cause of aberrant splicing (PMID: 17576681, 9536098). Algorithms developed to predict the effect of sequence changes on RNA splicing suggest that this variant is not likely to affect RNA splicing. In summary, the available evidence is currently insufficient to determine the role of this variant in disease. Therefore, it has been classified as a Variant of Uncertain Significance.

Literature cited by the submitters: PubMed 17576681; PubMed 9536098.